The following is an entry in ClinVar:

NM_005334.3(HCFC1):c.3930A>T (p.Ala1310=)

Gene: HCFC1 (host cell factor C1; minus strand). Cytogenetic location: Xq28.
Variant type: single nucleotide variant.
Coding change: c.3930A>T on transcript NM_005334.3 (MANE Select); coding-DNA position 3930, A replaced by T.
Protein change: p.Ala1310=; no amino-acid change (alanine 1310 retained).
Molecular consequence: synonymous variant.
Genome position (GRCh38, 1-based): chrX:153,954,469, T>A on the plus strand (A>T on the coding strand, the complement: HCFC1 is on the minus strand). VCF-style: chrX-153954469-T-A. GRCh37 (hg19) VCF-style: chrX-153219920-T-A.
Identifiers: ClinVar variation 727290 (VCV000727290.9), dbSNP rs200399318, ClinGen allele CA10557111.

ClinVar aggregate classification (germline): Benign/Likely benign. Review status: criteria provided, multiple submitters, no conflicts (2 of 4 stars). 2 submissions from 2 submitters: Benign (1); Likely benign (1). Last evaluated 2026-09-11.

Conditions:
Methylmalonic acidemia with homocystinuria, type cblX (MAHCX). Also called: INTELLECTUAL DEVELOPMENTAL DISORDER, X-LINKED 3. Identifiers: Orphanet 369962, MedGen C0796208, MONDO:0010657, OMIM 309541.
HCFC1-related disorder. Also called: HCFC1-related condition.

Allele frequency attached by ClinVar (database versions not stated): gnomAD exomes 0.00007 and 0.00016; ExAC 0.00017; 1000 Genomes Project 0.00053; TOPMed 0.00054; gnomAD 0.00055 and 0.00058; 1000 Genomes Project 30x 0.00083; ESP Exome Variant Server 0.00116.
gnomAD v4.1: 139 of 1,208,635 alleles (0.012%); highest among the groups gnomAD compares: African/African-American, 0.21%; no homozygotes.

Submissions (2):

PreventionGenetics, part of Exact Sciences
Classification: Likely benign for HCFC1-related condition. Last evaluated: 2026-09-11. Review status: criteria provided, single submitter. Criteria: ACMG Guidelines, 2015. Collection method: clinical testing. Allele origin: germline.
Comment: This variant is classified as likely benign based on ACMG/AMP sequence variant interpretation guidelines (Richards et al. 2015 PMID: 25741868, with internal and published modifications).

Labcorp Genetics (formerly Invitae), Labcorp
Classification: Benign for Methylmalonic acidemia with homocystinuria, type cblX. Last evaluated: 2026-01-27. Review status: criteria provided, single submitter. Criteria: Invitae Variant Classification Sherloc (09022015). Collection method: clinical testing. Allele origin: germline.